The following is an entry in ClinVar:

NM_025081.3(NYNRIN):c.4354G>C (p.Gly1452Arg)

Gene: NYNRIN (NYN domain and retroviral integrase containing; plus strand). Cytogenetic location: 14q12.
Variant type: single nucleotide variant.
Coding change: c.4354G>C on transcript NM_025081.3 (MANE Select); coding-DNA position 4354, G replaced by C.
Protein change: p.Gly1452Arg; replaces glycine 1452 with arginine.
Molecular consequence: missense variant.
Genome position (GRCh38, 1-based): chr14:24,416,103, G>C. VCF-style: chr14-24416103-G-C. GRCh37 (hg19) VCF-style: chr14-24885309-G-C.
Other names: short protein forms G1452R.
Identifiers: ClinVar variation 2849294 (VCV002849294.4), dbSNP rs761563648, ClinGen allele CA389308824.

ClinVar aggregate classification (germline): Uncertain significance. Review status: criteria provided, multiple submitters, no conflicts (2 of 4 stars). 2 submissions from 2 submitters: Uncertain significance (2). Last evaluated 2024-08-23.

Conditions:
Predisposition to Wilms tumor.

gnomAD v4.1: 2 of 1,613,982 alleles (0.00012%); highest among the groups gnomAD compares: South Asian, 0.0011%; no homozygotes.

Submissions (2):

St. Jude Molecular Pathology, St. Jude Children's Research Hospital
Classification: Uncertain significance for Predisposition to Wilms tumor. Last evaluated: 2024-08-23. Review status: criteria provided, single submitter. Criteria: St. Jude Assertion Criteria 2020. Collection method: clinical testing. Allele origin: germline.
Comment: The NYNRIN c.4354G>C (p.Gly1452Arg) missense change is absent in gnomAD v2.1.1. The in silico tool REVEL predicts a benign effect on protein function, but to our knowledge this prediction has not been confirmed by functional studies. To our knowledge, this variant has not been reported in individuals with Wilms tumor. In summary, the evidence currently available is insufficient to determine the clinical significance of this variant. It has therefore been classified as of uncertain significance.

Labcorp Genetics (formerly Invitae), Labcorp
Classification: Uncertain significance. Last evaluated: 2023-12-10. Review status: criteria provided, single submitter. Criteria: Invitae Variant Classification Sherloc (09022015). Collection method: clinical testing. Allele origin: germline.
Comment: This sequence change replaces glycine, which is neutral and non-polar, with arginine, which is basic and polar, at codon 1452 of the NYNRIN protein (p.Gly1452Arg). This variant is not present in population databases (gnomAD no frequency). This variant has not been reported in the literature in individuals affected with NYNRIN-related conditions. Experimental studies and prediction algorithms are not available or were not evaluated, and the functional significance of this variant is currently unknown. In summary, the available evidence is currently insufficient to determine the role of this variant in disease. Therefore, it has been classified as a Variant of Uncertain Significance.